The following is an entry in ClinVar:

NM_178857.6(RP1L1):c.11C>A (p.Thr4Asn)

Gene: RP1L1 (RP1 like 1). Cytogenetic location: 8p23.1.
Variant type: single nucleotide variant.
Coding change: c.11C>A on transcript NM_178857.6 (MANE Select); coding-DNA position 11, C replaced by A.
Protein change: p.Thr4Asn; replaces threonine 4 with asparagine.
Molecular consequence: missense variant.
Genome position (GRCh38, 1-based): chr8:10,623,191, G>T on the plus strand (C>A on the coding strand, the complement: RP1L1 is on the minus strand). VCF-style: chr8-10623191-G-T. GRCh37 (hg19) VCF-style: chr8-10480701-G-T.
Other names: short protein forms T4N.
Identifiers: ClinVar variation 911821 (VCV000911821.9), dbSNP rs754667501, ClinGen allele CA4625920.

ClinVar aggregate classification (germline): Uncertain significance. Review status: criteria provided, multiple submitters, no conflicts (2 of 4 stars). 3 submissions from 3 submitters: Uncertain significance (3). Last evaluated 2025-10-28.

Conditions:
Occult macular dystrophy (OCMD). Also called: OCCULT MACULAR DYSTROPHY, SUSCEPTIBILITY TO; OMD. Identifiers: Orphanet 247834, MedGen C3150833, MONDO:0013316, OMIM 613587, HP:0030636.
Inborn genetic diseases. Identifiers: MedGen C0950123, MeSH D030342.

Allele frequency attached by ClinVar (database versions not stated): TOPMed below 0.00001; ExAC 0.00002; gnomAD exomes 0.00003.
gnomAD v4.1: 25 of 1,563,976 alleles (0.0016%); highest among the groups gnomAD compares: South Asian, 0.018%; no homozygotes.

Submissions (3):

Ambry Genetics
Classification: Uncertain significance for Inborn genetic diseases. Last evaluated: 2025-10-28. Review status: criteria provided, single submitter. Criteria: Ambry Variant Classification Scheme 2023. Collection method: clinical testing. Allele origin: germline.

Labcorp Genetics (formerly Invitae), Labcorp
Classification: Uncertain significance. Last evaluated: 2022-10-17. Review status: criteria provided, single submitter. Criteria: Invitae Variant Classification Sherloc (09022015). Collection method: clinical testing. Allele origin: germline.
Comment: This sequence change replaces threonine, which is neutral and polar, with asparagine, which is neutral and polar, at codon 4 of the RP1L1 protein (p.Thr4Asn). In summary, the available evidence is currently insufficient to determine the role of this variant in disease. Therefore, it has been classified as a Variant of Uncertain Significance. Advanced modeling of protein sequence and biophysical properties (such as structural, functional, and spatial information, amino acid conservation, physicochemical variation, residue mobility, and thermodynamic stability) performed at Invitae indicates that this missense variant is not expected to disrupt RP1L1 protein function. ClinVar contains an entry for this variant (Variation ID: 911821). This variant has not been reported in the literature in individuals affected with RP1L1-related conditions. This variant is present in population databases (rs754667501, gnomAD 0.01%).

Illumina Laboratory Services, Illumina
Classification: Uncertain significance for Occult macular dystrophy. Last evaluated: 2018-01-13. Review status: criteria provided, single submitter. Criteria: ICSL Variant Classification Criteria 13 December 2019. Collection method: clinical testing. Allele origin: germline.